The following is an entry in ClinVar:

ClinVar aggregate classification (germline): Likely benign (1 of 4 stars; one submission).

gnomAD v4.1: 15 of 1,613,828 alleles (0.00093%); highest among the groups gnomAD compares: South Asian, 0.0055%; no homozygotes.

Submission:

CeGaT Center for Human Genetics Tuebingen
Classification: Likely benign. Last evaluated: 2025-09-01. Review status: criteria provided, single submitter. Criteria: CeGaT Center For Human Genetics Tuebingen Variant Classification Criteria Version 2. Collection method: clinical testing. Allele origin: germline. Affected: yes. Observed: 1 variant allele.
Comment: SHANK2: BP4

NM_012309.5(SHANK2):c.2350G>A (p.Ala784Thr)

Gene: SHANK2 (SH3 and multiple ankyrin repeat domains 2; minus strand). Cytogenetic location: 11q13.3.
Variant type: single nucleotide variant.
Coding change: c.2350G>A on transcript NM_012309.5 (MANE Select); coding-DNA position 2350, G replaced by A.
Protein change: p.Ala784Thr; replaces alanine 784 with threonine.
Molecular consequence: missense variant. On other transcripts: non-coding transcript variant (1).
Genome position (GRCh38, 1-based): chr11:70,492,424, C>T on the plus strand (G>A on the coding strand, the complement: SHANK2 is on the minus strand). VCF-style: chr11-70492424-C-T. GRCh37 (hg19) VCF-style: chr11-70338529-C-T.
Other names: c.2320G>A, p.Ala774Thr (NM_001441030.1, NM_001441031.1, NM_001441032.1 and 11 more transcripts); c.2248G>A, p.Ala750Thr (NM_001441038.1); c.586G>A, p.Ala196Thr (NM_133266.5, NM_001441043.1); c.1213G>A, p.Ala405Thr (NM_001379226.1); c.2491G>A, p.Ala831Thr (NM_001441024.1); c.1183G>A, p.Ala395Thr (NM_001441040.1, NM_001441041.1); c.577G>A, p.Ala193Thr (NM_001441042.1); c.556G>A, p.Ala186Thr (NM_001441044.1, NM_001441045.1, NM_001441046.1); and 1 more; short protein forms A159T, A186T, A193T, A196T, A395T, A405T, A750T, A774T.
Identifiers: ClinVar variation 4280972 (VCV004280972.7).